The following is an entry in ClinVar:

ClinVar aggregate classification (germline): Uncertain significance (1 of 4 stars; one submission).

Submission:

GeneDx
Classification: Uncertain significance. Last evaluated: 2025-11-17. Review status: criteria provided, single submitter. Criteria: GeneDx Variant Classification Process June 2021. Collection method: clinical testing. Allele origin: germline.
Comment: Not observed at significant frequency in large population cohorts (gnomAD); In silico analysis supports that this missense variant has a deleterious effect on protein structure/function; Has not been previously published as pathogenic or benign to our knowledge

NM_012199.5(AGO1):c.1709G>A (p.Gly570Asp)

Gene: AGO1 (argonaute RISC component 1; plus strand). Cytogenetic location: 1p34.3.
Variant type: single nucleotide variant.
Coding change: c.1709G>A on transcript NM_012199.5 (MANE Select); coding-DNA position 1709, G replaced by A.
Protein change: p.Gly570Asp; replaces glycine 570 with aspartic acid.
Molecular consequence: missense variant.
Genome position (GRCh38, 1-based): chr1:35,913,968, G>A. VCF-style: chr1-35913968-G-A. GRCh37 (hg19) VCF-style: chr1-36379569-G-A.
Other names: c.1709G>A, p.Gly570Asp (NM_001317122.2); c.1484G>A, p.Gly495Asp (NM_001317123.2); short protein forms G495D, G570D.
Identifiers: ClinVar variation 4083246 (VCV004083246.2).